The following is an entry in ClinVar:

NM_005847.5(SLC23A1):c.558C>G (p.Leu186=)

Gene: SLC23A1 (solute carrier family 23 member 1; minus strand). Cytogenetic location: 5q31.2.
Variant type: single nucleotide variant.
Coding change: c.558C>G on transcript NM_005847.5 (MANE Select); coding-DNA position 558, C replaced by G.
Protein change: p.Leu186=; no amino-acid change (leucine 186 retained).
Molecular consequence: synonymous variant.
Genome position (GRCh38, 1-based): chr5:139,380,297, G>C on the plus strand (C>G on the coding strand, the complement: SLC23A1 is on the minus strand). VCF-style: chr5-139380297-G-C. GRCh37 (hg19) VCF-style: chr5-138715986-G-C.
Other names: c.570C>G, p.Leu190= (NM_152685.4).
Identifiers: ClinVar variation 2655729 (VCV002655729.24), dbSNP rs772739654, ClinGen allele CA3434107.

ClinVar aggregate classification (germline): Likely benign (1 of 4 stars; one submission).

Allele frequency attached by ClinVar (database versions not stated): gnomAD 0.00001; ExAC 0.00002.
gnomAD v4.1: 5 of 1,601,930 alleles (0.00031%); highest among the groups gnomAD compares: South Asian, 0.0056%; no homozygotes.

Submission:

CeGaT Center for Human Genetics Tuebingen
Classification: Likely benign. Last evaluated: 2025-12-01. Review status: criteria provided, single submitter. Criteria: CeGaT Center For Human Genetics Tuebingen Variant Classification Criteria Version 2. Collection method: clinical testing. Allele origin: germline. Affected: yes. Observed: 1 variant allele.
Comment: SLC23A1: BP4, BP7